The following is an entry in ClinVar:

NM_000370.3(TTPA):c.400C>T (p.Arg134Ter)

Gene: TTPA (alpha tocopherol transfer protein; minus strand). Cytogenetic location: 8q12.3.
Variant type: single nucleotide variant.
Coding change: c.400C>T on transcript NM_000370.3 (MANE Select); coding-DNA position 400, C replaced by T.
Protein change: p.Arg134Ter; replaces arginine 134 with a stop codon.
Molecular consequence: nonsense.
Genome position (GRCh38, 1-based): chr8:63,066,056, G>A on the plus strand (C>T on the coding strand, the complement: TTPA is on the minus strand). VCF-style: chr8-63066056-G-A. GRCh37 (hg19) VCF-style: chr8-63978615-G-A.
Other names: short protein forms R134*.
Identifiers: ClinVar variation 9141 (VCV000009141.61), dbSNP rs121917851, ClinGen allele CA120139.

ClinVar aggregate classification (germline): Pathogenic. Review status: criteria provided, multiple submitters, no conflicts (2 of 4 stars). 13 submissions from 13 submitters: Pathogenic (9). 4 of the submissions do not count toward it. Last evaluated 2025-07-15.

Conditions:
TTPA-related disorder. Also called: TTPA-related condition.
Retinal dystrophy. Also called: Inherited retinal dystrophy. Identifiers: Orphanet 71862, MedGen C0854723, MeSH D058499, MONDO:0019118, HP:0000556.
Familial isolated deficiency of vitamin E (AVED). Also called: ATAXIA, FRIEDREICH-LIKE, WITH SELECTIVE VITAMIN E DEFICIENCY; Ataxia with isolated vitamin E deficiency. Identifiers: Orphanet 96, MedGen C1848533, MONDO:0010188, OMIM 277460.
ATAXIA, FRIEDREICH-LIKE, WITH ISOLATED VITAMIN E DEFICIENCY. Identifiers: MedGen C4016662.

Allele frequency attached by ClinVar (database versions not stated): ExAC 0.00002; gnomAD exomes 0.00002 and 0.00006; gnomAD 0.00004; TOPMed 0.00006.

Submissions (13):

Natera, Inc.
Classification: Pathogenic for Ataxia with isolated vitamin E deficiency. Last evaluated: 2025-07-15. Review status: criteria provided, single submitter. Criteria: Natera Variant Classification Schema (03/2026). Collection method: clinical testing. Allele origin: germline.
Comment: The c.400C>T variant in TTPA is a nonsense variant predicted to introduce a stop codon at amino acid 134. This variant is expected to result in nonsense mediated decay, truncation, or a dysfunctional protein product. This variant is rare in the general population with a frequency below the threshold expected for the associated phenotype(s). This variant has been observed in one or more individuals affected with the associated recessive disease, as either homozygous or compound heterozygous with a second variant (PMID: 24369383, 19566498). Given the available evidence, this variant is classified as Pathogenic.

Labcorp Genetics (formerly Invitae), Labcorp
Classification: Pathogenic. Last evaluated: 2024-08-05. Review status: criteria provided, single submitter. Criteria: Invitae Variant Classification Sherloc (09022015). Collection method: clinical testing. Allele origin: germline.
Comment: This sequence change creates a premature translational stop signal (p.Arg134*) in the TTPA gene. It is expected to result in an absent or disrupted protein product. Loss-of-function variants in TTPA are known to be pathogenic (PMID: 9463307, 26068213). This variant is present in population databases (rs121917851, gnomAD 0.004%). This premature translational stop signal has been observed in individuals with ataxia with isolated vitamin E deficiency (PMID: 9463307, 12470185, 22696689, 25614784). ClinVar contains an entry for this variant (Variation ID: 9141). For these reasons, this variant has been classified as Pathogenic.

Fulgent Genetics
Classification: Pathogenic for Familial isolated deficiency of vitamin E. Last evaluated: 2024-04-11. Review status: criteria provided, single submitter. Criteria: ACMG Guidelines, 2015. Collection method: clinical testing. Allele origin: germline.

GeneDx
Classification: Pathogenic. Last evaluated: 2023-04-20. Review status: criteria provided, single submitter. Criteria: GeneDx Variant Classification Process June 2021. Collection method: clinical testing. Allele origin: germline. Affected: yes.
Comment: Nonsense variant predicted to result in protein truncation or nonsense mediated decay in a gene for which loss of function is a known mechanism of disease; Not observed at significant frequency in large population cohorts (gnomAD); This variant is associated with the following publications: (PMID: 12899840, 12470185, 25525159, 20301419, 9463307, 22696689, 24369383, 19566498, 25614784, 32979145, 31589614, 32928973)

Blueprint Genetics
Classification: Pathogenic for TTPA-related disorders. Last evaluated: 2022-11-09. Review status: criteria provided, single submitter. Criteria: ACMG Guidelines, 2015. Collection method: clinical testing. Allele origin: germline. Affected: yes. Observed: 5 variant alleles.

Athena Diagnostics
Classification: Pathogenic. Last evaluated: 2022-11-07. Review status: criteria provided, single submitter. Criteria: Athena Diagnostics Criteria. Collection method: clinical testing. Allele origin: unknown.
Comment: This variant is expected to result in the loss of a functional protein. The frequency of this variant in the general population is consistent with pathogenicity. This variant has been identified in at least one individual with clinical features associated with this gene.

Institute of Human Genetics, Univ. Regensburg, Univ. Regensburg
Classification: Pathogenic for Retinal dystrophy. Last evaluated: 2022-01-01. Review status: criteria provided, single submitter. Criteria: ACMG Guidelines, 2015. Collection method: clinical testing. Allele origin: germline. Affected: yes.

CeGaT Center for Human Genetics Tuebingen
Classification: Pathogenic. Last evaluated: 2021-04-01. Review status: criteria provided, single submitter. Criteria: CeGaT Center For Human Genetics Tuebingen Variant Classification Criteria Version 2. Collection method: clinical testing. Allele origin: germline. Affected: yes. Observed: 1 variant allele.

Women's Health and Genetics/Laboratory Corporation of America, LabCorp
Classification: Pathogenic for Ataxia with vitamin E deficiency. Last evaluated: 2018-12-24. Review status: criteria provided, single submitter. Criteria: LabCorp Variant Classification Summary - May 2015. Collection method: clinical testing. Allele origin: germline.
Comment: Variant summary: TTPA c.400C>T (p.Arg134X) results in a premature termination codon, predicted to cause a truncation of the encoded protein or absence of the protein due to nonsense mediated decay, which are commonly known mechanisms for disease. The variant allele was found at a frequency of 1.6e-05 in 246084 control chromosomes (gnomAD). c.400C>T has been reported in the literature in multiple homozygous and compound heterozygous individuals affected with Ataxia with Vitamin E Deficiency (Cavalier 1998, Euch-Fayache 2014, Elkamil 2015). These data indicate that the variant is very likely to be associated with disease. To our knowledge, no experimental evidence demonstrating an impact on protein function has been reported. No clinical diagnostic laboratories have submitted clinical-significance assessments for this variant to ClinVar after 2014. Based on the evidence outlined above, the variant was classified as pathogenic.

PreventionGenetics, part of Exact Sciences
Classification: Pathogenic for TTPA-related condition. Last evaluated: 2024-03-19. Review status: no assertion criteria provided. Collection method: clinical testing. Allele origin: germline. Not counted in ClinVar's aggregate classification.
Comment: The TTPA c.400C>T variant is predicted to result in premature protein termination (p.Arg134*). This variant has been reported in the homozygous and compound heterozygous states in multiple patients with ataxia with isolated vitamin E deficiency (Cavalier et al. 1998. PubMed ID: 9463307; Koht et al. 2009. PubMed ID: 19566498; Elkamil et al. 2015. PubMed ID: 25614784). This variant is reported in 0.0046% of alleles in individuals of European (Finnish) descent in gnomAD. Nonsense variants in TTPA are expected to be pathogenic. This variant is interpreted as pathogenic.

Counsyl
Classification: Likely pathogenic for Ataxia with vitamin E deficiency. Last evaluated: 2014-07-08. Review status: no assertion criteria provided. Collection method: literature only. Allele origin: unknown. Inheritance: Autosomal recessive inheritance. Not counted in ClinVar's aggregate classification.

OMIM
Classification: Pathogenic for ATAXIA, FRIEDREICH-LIKE, WITH ISOLATED VITAMIN E DEFICIENCY. Last evaluated: 1998-02-01. Review status: no assertion criteria provided. Collection method: literature only. Allele origin: germline. Not counted in ClinVar's aggregate classification.

GeneReviews
No classification provided. Condition: Familial isolated deficiency of vitamin E. Review status: no classification provided. Collection method: literature only. Allele origin: unknown. Not counted in ClinVar's aggregate classification.

Literature cited by the submitters: PubMed 24369383 (cited by 4 submitters); PubMed 19566498 (cited by 4 submitters); PubMed 9463307 (cited by 6 submitters); PubMed 26068213 (cited by Labcorp Genetics (formerly Invitae), Labcorp); PubMed 12470185 (cited by 3 submitters); PubMed 22696689 (cited by 3 submitters); PubMed 25614784 (cited by 4 submitters); PubMed 25525159 (cited by Institute of Human Genetics, Univ. Regensburg, Univ. Regensburg); PubMed 31589614 (cited by Institute of Human Genetics, Univ. Regensburg, Univ. Regensburg); PubMed 32928973 (cited by Institute of Human Genetics, Univ. Regensburg, Univ. Regensburg); PubMed 12899840 (cited by Counsyl); PubMed 20301419 (cited by GeneReviews); NCBI Bookshelf NBK1241 (cited by GeneReviews).